The following is an entry in ClinVar:

NM_000222.3(KIT):c.1360G>T (p.Val454Leu)

Gene: KIT (KIT proto-oncogene, receptor tyrosine kinase; plus strand). Cytogenetic location: 4q12.
Variant type: single nucleotide variant.
Coding change: c.1360G>T on transcript NM_000222.3 (MANE Select); coding-DNA position 1360, G replaced by T.
Protein change: p.Val454Leu; replaces valine 454 with leucine.
Molecular consequence: missense variant.
Genome position (GRCh38, 1-based): chr4:54,725,870, G>T. VCF-style: chr4-54725870-G-T. GRCh37 (hg19) VCF-style: chr4-55592036-G-T.
Other names: c.1360G>T, p.Val454Leu (NM_001093772.2, NM_001385285.1, NM_001385286.1); c.1363G>T, p.Val455Leu (NM_001385284.1, NM_001385288.1, NM_001385290.1 and 1 more transcripts); short protein forms V454L, V455L.
Identifiers: ClinVar variation 5023300 (VCV005023300.1).

ClinVar aggregate classification (germline): Uncertain significance (1 of 4 stars; one submission).

Conditions:
Hereditary cancer-predisposing syndrome. Also called: Neoplastic Syndromes, Hereditary; Tumor predisposition; Hereditary neoplastic syndrome; Hereditary Cancer Syndrome. Identifiers: Orphanet 140162, MedGen C0027672, MeSH D009386, MONDO:0015356.

Submission:

Ambry Genetics
Classification: Uncertain significance for Hereditary cancer-predisposing syndrome. Last evaluated: 2026-07-02. Review status: criteria provided, single submitter. Criteria: Ambry Variant Classification Scheme 2023. Collection method: clinical testing. Allele origin: germline.
Comment: The p.V454L variant (also known as c.1360G>T), located in coding exon 9 of the KIT gene, results from a G to T substitution at nucleotide position 1360. The valine at codon 454 is replaced by leucine, an amino acid with highly similar properties. This amino acid position is conserved. In addition, this alteration is predicted to be tolerated by in silico analysis. Based on the available evidence, the clinical significance of this variant remains unclear.